The following is an entry in ClinVar:

NM_000199.5(SGSH):c.803T>C (p.Val268Ala)

Gene: SGSH (N-sulfoglucosamine sulfohydrolase; minus strand). Cytogenetic location: 17q25.3.
Variant type: single nucleotide variant.
Coding change: c.803T>C on transcript NM_000199.5 (MANE Select); coding-DNA position 803, T replaced by C.
Protein change: p.Val268Ala; replaces valine 268 with alanine.
Molecular consequence: missense variant. On other transcripts: non-coding transcript variant (1).
Genome position (GRCh38, 1-based): chr17:80,212,217, A>G on the plus strand (T>C on the coding strand, the complement: SGSH is on the minus strand). VCF-style: chr17-80212217-A-G. GRCh37 (hg19) VCF-style: chr17-78186016-A-G.
Other names: c.803T>C, p.Val268Ala (NM_001352921.3, NM_001352922.2); c.803T>C (NM_000199.3); short protein forms V268A.
Identifiers: ClinVar variation 2004816 (VCV002004816.5), dbSNP rs2510874065, ClinGen allele CA401359978.
Genomic context (GRCh38, chr17:80,212,217, plus strand): 5'-GGCCAGTACAGGTTGGTCCTGCCGCTGGGGAAGGGGATCCCGTTGTCGGACGTGAAGATC[A>G]CCAGTGTGTCGTTCAGGACACCGGCGTCACGCAGCTCCTGGAGCACCAGTCCAACTCCTG-3'
Protein context (NP_000190.1, residues 258-278): RDAGVLNDTL[Val268Ala]IFTSDNGIPF

ClinVar aggregate classification (germline): Uncertain significance. Review status: criteria provided, multiple submitters, no conflicts (2 of 4 stars). 2 submissions from 2 submitters: Uncertain significance (2). Last evaluated 2024-03-20.

Conditions:
Mucopolysaccharidosis, MPS-III-A (MPS3A). Also called: HEPARAN SULFATE SULFATASE DEFICIENCY; SANFILIPPO SYNDROME A; SULFAMIDASE DEFICIENCY; MPS III A; Mucopolysaccharidosis type IIIA (Sanfilippo A); Mucopolysaccharidosis, type IIIA. Identifiers: Orphanet 581, Orphanet 79269, MedGen C0086647, MONDO:0009655, OMIM 252900.
Inborn genetic diseases. Identifiers: MedGen C0950123, MeSH D030342.

Submissions (2):

Ambry Genetics
Classification: Uncertain significance for Inborn genetic diseases. Last evaluated: 2024-03-20. Review status: criteria provided, single submitter. Criteria: Ambry Variant Classification Scheme 2023. Collection method: clinical testing. Allele origin: germline.

Labcorp Genetics (formerly Invitae), Labcorp
Classification: Uncertain significance for Mucopolysaccharidosis, MPS-III-A. Last evaluated: 2022-08-31. Review status: criteria provided, single submitter. Criteria: Invitae Variant Classification Sherloc (09022015). Collection method: clinical testing. Allele origin: germline.
Comment: This sequence change replaces valine, which is neutral and non-polar, with alanine, which is neutral and non-polar, at codon 268 of the SGSH protein (p.Val268Ala). This variant is not present in population databases (gnomAD no frequency). In summary, the available evidence is currently insufficient to determine the role of this variant in disease. Therefore, it has been classified as a Variant of Uncertain Significance. Advanced modeling of protein sequence and biophysical properties (such as structural, functional, and spatial information, amino acid conservation, physicochemical variation, residue mobility, and thermodynamic stability) performed at Invitae indicates that this missense variant is expected to disrupt SGSH protein function. This variant has not been reported in the literature in individuals affected with SGSH-related conditions.